The following is an entry in ClinVar:

ClinVar aggregate classification (germline): Uncertain significance. Review status: criteria provided, multiple submitters, no conflicts (2 of 4 stars). 5 submissions from 5 submitters: Uncertain significance (5). Last evaluated 2024-02-21.

Conditions:
Meckel-Gruber syndrome. Also called: Dysencephalia splachnocystica; DYSENCEPHALIA SPLANCHNOCYSTICA; GRUBER SYNDROME. Identifiers: Orphanet 564, MedGen C0265215, MONDO:0018921.
Joubert syndrome. Also called: Familial aplasia of the vermis; JOUBERT-BOLTSHAUSER SYNDROME. Identifiers: Orphanet 475, MedGen C5979921, MONDO:0018772.
Meckel syndrome, type 6. Identifiers: Orphanet 564, MedGen C2676790, MONDO:0012848, OMIM 612284.
Joubert syndrome 9 (JBTS9). Identifiers: Orphanet 2318, MedGen C2676788, MONDO:0012849, OMIM 612285.
Retinitis pigmentosa 93. Identifiers: MedGen C5676970, MONDO:0030797, OMIM 619845.
COACH syndrome 2. Identifiers: MedGen C5436837, MONDO:0030859, OMIM 619111.
Ciliopathy. Also called: Ciliopathies. Identifiers: Orphanet 363250, MedGen C4277690, MONDO:0005308, MeSH D000072661.

Allele frequency attached by ClinVar (database versions not stated): gnomAD exomes 0.00001 and 0.00002; ExAC 0.00003; gnomAD 0.00003 and 0.00004; TOPMed 0.00003.
gnomAD v4.1: 29 of 1,607,856 alleles (0.0018%); highest among the groups gnomAD compares: East Asian, 0.0045%; no homozygotes.

Submissions (5):

Fulgent Genetics
Classification: Uncertain significance for Meckel syndrome, type 6; Joubert syndrome 9; COACH syndrome 2; Retinitis pigmentosa 93. Last evaluated: 2024-02-21. Review status: criteria provided, single submitter. Criteria: ACMG Guidelines, 2015. Collection method: clinical testing. Allele origin: germline.

Department of Pathology and Laboratory Medicine, Sinai Health System
Classification: Uncertain significance for ciliopathy. Last evaluated: 2023-02-08. Review status: criteria provided, single submitter. Criteria: ACMG Guidelines, 2015. Collection method: research. Allele origin: germline.

GeneDx
Classification: Uncertain significance. Last evaluated: 2022-12-02. Review status: criteria provided, single submitter. Criteria: GeneDx Variant Classification Process June 2021. Collection method: clinical testing. Allele origin: germline. Affected: yes.
Comment: Not observed at significant frequency in large population cohorts (gnomAD); In silico analysis supports that this missense variant has a deleterious effect on splicing.; In silico analysis supports that this missense variant does not alter protein structure/function; Has not been previously published as pathogenic or benign to our knowledge

Labcorp Genetics (formerly Invitae), Labcorp
Classification: Uncertain significance for Joubert syndrome; Meckel-Gruber syndrome. Last evaluated: 2022-08-23. Review status: criteria provided, single submitter. Criteria: Invitae Variant Classification Sherloc (09022015). Collection method: clinical testing. Allele origin: germline.
Comment: This sequence change replaces alanine, which is neutral and non-polar, with valine, which is neutral and non-polar, at codon 447 of the CC2D2A protein (p.Ala447Val). This variant is present in population databases (rs775138548, gnomAD 0.003%). This variant has not been reported in the literature in individuals affected with CC2D2A-related conditions. ClinVar contains an entry for this variant (Variation ID: 965184). Advanced modeling of protein sequence and biophysical properties (such as structural, functional, and spatial information, amino acid conservation, physicochemical variation, residue mobility, and thermodynamic stability) performed at Invitae indicates that this missense variant is not expected to disrupt CC2D2A protein function. Algorithms developed to predict the effect of sequence changes on RNA splicing suggest that this variant may disrupt the consensus splice site. In summary, the available evidence is currently insufficient to determine the role of this variant in disease. Therefore, it has been classified as a Variant of Uncertain Significance.

Ocular Genomics Institute, Massachusetts Eye and Ear
Classification: Uncertain significance for Joubert syndrome 9. Last evaluated: 2021-04-08. Review status: criteria provided, single submitter. Criteria: ACMG Guidelines, 2015. Collection method: research. Allele origin: germline. Affected: yes.
Comment: Through a review of available evidence we were able to apply the following criteria: PM2. Based on this evidence we have classified this variant as Variant of Uncertain Significance.

NM_001378615.1(CC2D2A):c.1340C>T (p.Ala447Val)

Genes: FBXL5 (F-box and leucine rich repeat protein 5; minus strand), CC2D2A (coiled-coil and C2 domain containing 2A; plus strand). Cytogenetic location: 4p15.32.
Variant type: single nucleotide variant.
Coding change: c.1340C>T on transcript NM_001378615.1 (MANE Select); coding-DNA position 1340, C replaced by T.
Protein change: p.Ala447Val; replaces alanine 447 with valine.
Molecular consequence: missense variant.
Genome position (GRCh38, 1-based): chr4:15,527,637, C>T. VCF-style: chr4-15527637-C-T. GRCh37 (hg19) VCF-style: chr4-15529260-C-T.
Other names: c.1340C>T, p.Ala447Val (NM_001080522.2); c.1193C>T, p.Ala398Val (NM_001378617.1); short protein forms A398V, A447V.
Identifiers: ClinVar variation 965184 (VCV000965184.9), dbSNP rs775138548, ClinGen allele CA2863634.